The following is an entry in ClinVar:

NM_000304.4(PMP22):c.179-3C>T

Gene: PMP22 (peripheral myelin protein 22; minus strand). Cytogenetic location: 17p12.
Variant type: single nucleotide variant.
Coding change: c.179-3C>T on transcript NM_000304.4 (MANE Select); 3 bases into the intron before coding-DNA position 179, C replaced by T.
Molecular consequence: intron variant.
Genome position (GRCh38, 1-based): chr17:15,239,614, G>A on the plus strand (C>T on the coding strand, the complement: PMP22 is on the minus strand). VCF-style: chr17-15239614-G-A. GRCh37 (hg19) VCF-style: chr17-15142931-G-A.
Other names: c.179-3C>T (NM_001281456.2, NM_153321.3, NM_001281455.2 and 2 more transcripts).
Identifiers: ClinVar variation 4749635 (VCV004749635.1).

ClinVar aggregate classification (germline): Uncertain significance (1 of 4 stars; one submission).

Conditions:
Charcot-Marie-Tooth disease, type I (CMT1). Also called: Charcot-Marie-Tooth, Type 1; Charcot-Marie-Tooth disease type 1. Identifiers: Orphanet 65753, MedGen C0751036, MONDO:0019011.

gnomAD v4.1: 2 of 1,613,760 alleles (0.00012%); highest among the groups gnomAD compares: African/African-American, 0.0013%; no homozygotes.

Submission:

Labcorp Genetics (formerly Invitae), Labcorp
Classification: Uncertain significance for Charcot-Marie-Tooth disease, type I. Last evaluated: 2025-12-23. Review status: criteria provided, single submitter. Criteria: Invitae Variant Classification Sherloc (09022015). Collection method: clinical testing. Allele origin: germline.
Comment: This sequence change falls in intron 3 of the PMP22 gene. It does not directly change the encoded amino acid sequence of the PMP22 protein. It affects a nucleotide within the consensus splice site. This variant is not present in population databases (gnomAD no frequency). This variant has not been reported in the literature in individuals affected with PMP22-related conditions. Variants that disrupt the consensus splice site are a relatively common cause of aberrant splicing (PMID: 17576681, 9536098). Algorithms developed to predict the effect of sequence changes on RNA splicing suggest that this variant is not likely to affect RNA splicing. In summary, the available evidence is currently insufficient to determine the role of this variant in disease. Therefore, it has been classified as a Variant of Uncertain Significance.

Literature cited by the submitters: PubMed 17576681; PubMed 9536098.